The following is an entry in ClinVar:

ClinVar aggregate classification (germline): Uncertain significance (1 of 4 stars; one submission).

Conditions:
Congenital stationary night blindness 1A (CSNB1A). Also called: MYOPIA-NIGHT BLINDNESS; NIGHT BLINDNESS, CONGENITAL STATIONARY, WITH MYOPIA; CSNB, COMPLETE, X-LINKED; HEMERALOPIA-MYOPIA; Night blindness, congenital stationary (complete), 1A, X-linked; NYX-Related X-Linked Congenital Stationary Night Blindness. Identifiers: Orphanet 215, MedGen C3495587, MONDO:0010690, OMIM 310500.

Submission:

3billion
Classification: Uncertain significance for Congenital stationary night blindness 1A. Last evaluated: 2022-01-03. Review status: criteria provided, single submitter. Criteria: ACMG Guidelines, 2015. Collection method: clinical testing. Allele origin: germline. Affected: yes. Observed: 1 heterozygote.
Comment: The variant observed at an extremely low frequency in the gnomAD v2.1.1 dataset (total allele frequency: 0.000045, PM2_M). In silico tool predictions suggest damaging effect of the variant on gene or gene product (REVEL: 0.886, PP3_P). A missense variant is a common mechanism associated with Night blindness (PP2_P). Therefore, this variant is classified as uncertain significance according to the recommendation of ACMG/AMP guideline.

NM_001378477.3(NYX):c.467T>C (p.Leu156Pro)

Gene: NYX (nyctalopin; plus strand). Cytogenetic location: Xp11.4.
Variant type: single nucleotide variant.
Coding change: c.467T>C on transcript NM_001378477.3 (MANE Select); coding-DNA position 467, T replaced by C.
Protein change: p.Leu156Pro; replaces leucine 156 with proline.
Molecular consequence: missense variant.
Genome position (GRCh38, 1-based): chrX:41,473,935, T>C. VCF-style: chrX-41473935-T-C. GRCh37 (hg19) VCF-style: chrX-41333188-T-C.
Other names: c.467T>C, p.Leu156Pro (NM_022567.3); short protein forms L156P.
Identifiers: ClinVar variation 1333398 (VCV001333398.1), dbSNP rs1245924306, ClinGen allele CA412990490.
Genomic context (GRCh38, chrX:41,473,935, plus strand): 5'-ACCTAGCAGCCTGCCGCCTCTTCAGCGTGCCCGAGCGCCTCCTGGCCGAACTGCCGGCCC[T>C]GCGCGAACTCGCCGCCTTCGACAACCTGTTCCGCCGCGTGCCGGGCGCGCTGCGCGGCCT-3'
Protein context (NP_001365406.2, residues 146-166): PERLLAELPA[Leu156Pro]RELAAFDNLF